The following is an entry in ClinVar:

NM_001378454.1(ALMS1):c.1254G>T (p.Lys418Asn)

Gene: ALMS1 (ALMS1 centrosome and basal body associated protein; plus strand). Cytogenetic location: 2p13.1.
Variant type: single nucleotide variant.
Coding change: c.1254G>T on transcript NM_001378454.1 (MANE Select); coding-DNA position 1254, G replaced by T.
Protein change: p.Lys418Asn; replaces lysine 418 with asparagine.
Molecular consequence: missense variant.
Genome position (GRCh38, 1-based): chr2:73,426,469, G>T. VCF-style: chr2-73426469-G-T. GRCh37 (hg19) VCF-style: chr2-73653597-G-T.
Other names: c.1257G>T, p.Lys419Asn (NM_015120.4); short protein forms K419N, K418N.
Identifiers: ClinVar variation 1978823 (VCV001978823.1), dbSNP rs2466052806, ClinGen allele CA347261845.

ClinVar aggregate classification (germline): Uncertain significance (1 of 4 stars; one submission).

Conditions:
Alstrom syndrome (ALMS). Identifiers: Orphanet 64, MedGen C0268425, MONDO:0008763, OMIM 203800.

Submission:

Labcorp Genetics (formerly Invitae), Labcorp
Classification: Uncertain significance for Alstrom syndrome. Last evaluated: 2022-07-10. Review status: criteria provided, single submitter. Criteria: Invitae Variant Classification Sherloc (09022015). Collection method: clinical testing. Allele origin: germline.
Comment: This sequence change replaces lysine, which is basic and polar, with asparagine, which is neutral and polar, at codon 419 of the ALMS1 protein (p.Lys419Asn). This variant is not present in population databases (gnomAD no frequency). This variant has not been reported in the literature in individuals affected with ALMS1-related conditions. Experimental studies and prediction algorithms are not available or were not evaluated, and the functional significance of this variant is currently unknown. In summary, the available evidence is currently insufficient to determine the role of this variant in disease. Therefore, it has been classified as a Variant of Uncertain Significance.